The following is an entry in ClinVar:

ClinVar aggregate classification (germline): Uncertain significance. Review status: criteria provided, multiple submitters, no conflicts (2 of 4 stars). 2 submissions from 2 submitters: Uncertain significance (2). Last evaluated 2025-12-02.

Conditions:
Inborn genetic diseases. Identifiers: MedGen C0950123, MeSH D030342.
Peroxisome biogenesis disorder, complementation group 7 (CG7). Also called: Peroxisome biogenesis disorder, complementation group B. Identifiers: MedGen C1864399.

Allele frequency attached by ClinVar (database versions not stated): gnomAD exomes below 0.00001; gnomAD 0.00001.
gnomAD v4.1: 5 of 1,611,946 alleles (0.00031%); highest among the groups gnomAD compares: Non-Finnish European, 0.00042%; no homozygotes.

Submissions (2):

Ambry Genetics
Classification: Uncertain significance for Inborn genetic diseases. Last evaluated: 2025-12-02. Review status: criteria provided, single submitter. Criteria: Ambry Variant Classification Scheme 2023. Collection method: clinical testing. Allele origin: germline.

Labcorp Genetics (formerly Invitae), Labcorp
Classification: Uncertain significance for Peroxisome biogenesis disorder, complementation group 7. Last evaluated: 2022-10-05. Review status: criteria provided, single submitter. Criteria: Invitae Variant Classification Sherloc (09022015). Collection method: clinical testing. Allele origin: germline.
Comment: This sequence change replaces alanine, which is neutral and non-polar, with proline, which is neutral and non-polar, at codon 159 of the PEX10 protein (p.Ala159Pro). This variant is present in population databases (no rsID available, gnomAD 0.007%). This variant has not been reported in the literature in individuals affected with PEX10-related conditions. Algorithms developed to predict the effect of missense changes on protein structure and function are either unavailable or do not agree on the potential impact of this missense change (SIFT: "Tolerated"; PolyPhen-2: "Possibly Damaging"; Align-GVGD: "Class C0"). In summary, the available evidence is currently insufficient to determine the role of this variant in disease. Therefore, it has been classified as a Variant of Uncertain Significance.

NM_002617.4(PEX10):c.475G>C (p.Ala159Pro)

Gene: PEX10 (peroxisomal biogenesis factor 10; minus strand). Cytogenetic location: 1p36.32.
Variant type: single nucleotide variant.
Coding change: c.475G>C on transcript NM_002617.4 (MANE Select); coding-DNA position 475, G replaced by C.
Protein change: p.Ala159Pro; replaces alanine 159 with proline.
Molecular consequence: missense variant. On other transcripts: non-coding transcript variant (1).
Genome position (GRCh38, 1-based): chr1:2,408,577, C>G on the plus strand (G>C on the coding strand, the complement: PEX10 is on the minus strand). VCF-style: chr1-2408577-C-G. GRCh37 (hg19) VCF-style: chr1-2340016-C-G.
Other names: c.475G>C, p.Ala159Pro (NM_001374425.1, NM_153818.2); c.43G>C, p.Ala15Pro (NM_001374426.1, NM_001374427.1); c.475G>C (NM_153818.1); short protein forms A15P, A159P.
Identifiers: ClinVar variation 2196904 (VCV002196904.2), dbSNP rs1410364443, ClinGen allele CA337987520.